The following is an entry in ClinVar:

ClinVar aggregate classification (germline): Likely benign (1 of 4 stars; one submission).

Allele frequency attached by ClinVar (database versions not stated): TOPMed 0.00013; gnomAD 0.00017.

Submission:

GeneDx
Classification: Likely benign. Last evaluated: 2017-12-05. Review status: criteria provided, single submitter. Criteria: GeneDx Variant Classification (06012015). Collection method: clinical testing. Allele origin: germline. Affected: yes.
Comment: This variant is considered likely benign or benign based on one or more of the following criteria: it is a conservative change, it occurs at a poorly conserved position in the protein, it is predicted to be benign by multiple in silico algorithms, and/or has population frequency not consistent with disease.

NM_005984.5(SLC25A1):c.-41G>A

Gene: SLC25A1 (solute carrier family 25 member 1; minus strand). Cytogenetic location: 22q11.21.
Variant type: single nucleotide variant.
Coding change: c.-41G>A on transcript NM_005984.5 (MANE Select); 41 bases upstream of the start codon, G replaced by A.
Molecular consequence: 5 prime UTR variant. On other transcripts: non-coding transcript variant (1).
Genome position (GRCh38, 1-based): chr22:19,178,714, C>T on the plus strand (G>A on the coding strand, the complement: SLC25A1 is on the minus strand). VCF-style: chr22-19178714-C-T. GRCh37 (hg19) VCF-style: chr22-19166227-C-T.
Identifiers: ClinVar variation 513492 (VCV000513492.1), dbSNP rs1407879852, ClinGen allele CA638334251.
Genomic context (GRCh38, chr22:19,178,714, plus strand): 5'-GGGGCGCGGGGCGCGGGCATGGCGGGCGGGAGGCGGGGCGCCCTGTGGCGGCTTCGGGTC[C>T]GAGACTCCAGAACTCCGCGCTCGGTCCGCGGTGGCGGCGGCGGCCGGTTATGGTCCCAGG-3'